The following is an entry in ClinVar:

NM_002401.5(MAP3K3):c.20_61dup (p.Asn20_Arg21insLeuAsnSerIleMetAsnAspLeuValAlaLeuGlnMetAsn)

Gene: MAP3K3 (mitogen-activated protein kinase kinase kinase 3; plus strand). Cytogenetic location: 17q23.3.
Variant type: Duplication.
Coding change: c.20_61dup on transcript NM_002401.5 (MANE Select); coding-DNA positions 20 to 61, 42 bases duplicated.
Protein change: p.Asn20_Arg21insLeuAsnSerIleMetAsnAspLeuValAlaLeuGlnMetAsn.
Genome position (GRCh38, 1-based): chr17:63,632,696-63,632,737, 42 bases duplicated. GRCh37 (hg19): chr17:61,710,056-61,710,097.
Other names: c.20_61dup, p.Asn20_Arg21insLeuAsnSerIleMetAsnAspLeuValAlaLeuGlnMetAsn (NM_001330431.2, NM_001363768.2, NM_203351.3).
Identifiers: ClinVar variation 3774522 (VCV003774522.1).

ClinVar aggregate classification (germline): Uncertain significance (1 of 4 stars; one submission).

Submission:

Clinical Genomics Laboratory, Washington University in St. Louis
Classification: Uncertain significance. Last evaluated: 2024-06-03. Review status: criteria provided, single submitter. Criteria: Leon-Quintero et al. (Clin Genet. 2025). Collection method: clinical testing. Allele origin: somatic.
Comment: A MAP3K3 c.20_61dup (p.Leu7_Asn20dup) variant was identified at an allelic fraction consistent with somatic origin. This variant, to our knowledge, has not been reported in the medical literature and is absent from the general population (gnomAD v4.1.0), indicating it is not a common variant. This variant is predicted to cause a change in the length of the protein due to an in-frame duplication of 14 amino acids in a non-repeat region.Due to limited information, and based on internally developed protocol informed by the ACMG/AMP guidelines for variant interpretation (Leon-Quintero FZ et al., PMID: 39434542), the clinical significance of this variant is uncertain at this time.